The following is an entry in ClinVar:

NM_003565.4(ULK1):c.2284G>A (p.Gly762Arg)

Gene: ULK1 (unc-51 like autophagy activating kinase 1; plus strand). Cytogenetic location: 12q24.33.
Variant type: single nucleotide variant.
Coding change: c.2284G>A on transcript NM_003565.4 (MANE Select); coding-DNA position 2284, G replaced by A.
Protein change: p.Gly762Arg; replaces glycine 762 with arginine.
Molecular consequence: missense variant.
Genome position (GRCh38, 1-based): chr12:131,917,512, G>A. VCF-style: chr12-131917512-G-A. GRCh37 (hg19) VCF-style: chr12-132402057-G-A.
Other names: short protein forms G762R.
Identifiers: ClinVar variation 3046265 (VCV003046265.2), dbSNP rs200169540, ClinGen allele CA6883489.
Genomic context (GRCh38, chr12:131,917,512, plus strand): 5'-CGTGCTGGGGGCACCAGCAGCCCTTCCCCGGTGGTCTTCACCGTGGGCTCTCCCCCGAGC[G>A]GGAGCACGCCCCCCCAGGGCCCCCGCACCAGGATGTTCTCAGGTGAGGGCTGGCTAGGCT-3'
Protein context (NP_003556.2, residues 752-772): VVFTVGSPPS[Gly762Arg]STPPQGPRTR

ClinVar aggregate classification (germline): Likely benign (0 of 4 stars; one submission).

Conditions:
ULK1-related disorder. Also called: ULK1-related condition.

Allele frequency attached by ClinVar (database versions not stated): ESP Exome Variant Server 0.00023; gnomAD 0.00050; TOPMed 0.00050; ExAC 0.00070; 1000 Genomes Project 0.00120; 1000 Genomes Project 30x 0.00141.
gnomAD v4.1: 912 of 1,468,418 alleles (0.062%); highest among the groups gnomAD compares: East Asian, 0.12%; 1 homozygote.

Submission:

PreventionGenetics, part of Exact Sciences
Classification: Likely benign for ULK1-related condition. Last evaluated: 2022-06-07. Review status: no assertion criteria provided. Collection method: clinical testing. Allele origin: germline.
Comment: This variant is classified as likely benign based on ACMG/AMP sequence variant interpretation guidelines (Richards et al. 2015 PMID: 25741868, with internal and published modifications).